The following is an entry in ClinVar:

ClinVar aggregate classification (germline): Likely benign. Review status: criteria provided, multiple submitters, no conflicts (2 of 4 stars). 3 submissions from 3 submitters: Likely benign (3). Last evaluated 2025-08-31.

Allele frequency attached by ClinVar (database versions not stated): gnomAD exomes 0.00008 and 0.00026; gnomAD 0.00011 and 0.00012; TOPMed 0.00020; ExAC 0.00068.
gnomAD v4.1: 296 of 1,248,380 alleles (0.024%); highest among the groups gnomAD compares: Non-Finnish European, 0.028%; no homozygotes.

Submissions (3):

Labcorp Genetics (formerly Invitae), Labcorp
Classification: Likely benign. Last evaluated: 2025-08-31. Review status: criteria provided, single submitter. Criteria: Invitae Variant Classification Sherloc (09022015). Collection method: clinical testing. Allele origin: germline.

CeGaT Center for Human Genetics Tuebingen
Classification: Likely benign. Last evaluated: 2025-04-01. Review status: criteria provided, single submitter. Criteria: CeGaT Center For Human Genetics Tuebingen Variant Classification Criteria Version 2. Collection method: clinical testing. Allele origin: germline. Affected: yes. Observed: 2 variant alleles.
Comment: KMT2B: BP4, BP7

Blueprint Genetics
Classification: Likely benign. Last evaluated: 2023-12-18. Review status: criteria provided, single submitter. Criteria: ACMG Guidelines, 2015. Collection method: clinical testing. Allele origin: germline.

NM_014727.3(KMT2B):c.306C>A (p.Gly102=)

Gene: KMT2B (lysine methyltransferase 2B; plus strand). Cytogenetic location: 19q13.12.
Variant type: single nucleotide variant.
Coding change: c.306C>A on transcript NM_014727.3 (MANE Select); coding-DNA position 306, C replaced by A.
Protein change: p.Gly102=; no amino-acid change (glycine 102 retained).
Molecular consequence: synonymous variant.
Genome position (GRCh38, 1-based): chr19:35,718,324, C>A. VCF-style: chr19-35718324-C-A. GRCh37 (hg19) VCF-style: chr19-36209226-C-A.
Identifiers: ClinVar variation 808514 (VCV000808514.48), dbSNP rs761727342, ClinGen allele CA9383970.